The following is an entry in ClinVar:

NM_000492.4(CFTR):c.1735G>A (p.Asp579Asn)

Gene: CFTR (CF transmembrane conductance regulator; plus strand). Cytogenetic location: 7q31.2.
Variant type: single nucleotide variant.
Coding change: c.1735G>A on transcript NM_000492.4 (MANE Select); coding-DNA position 1735, G replaced by A.
Protein change: p.Asp579Asn; replaces aspartic acid 579 with asparagine.
Molecular consequence: missense variant.
Genome position (GRCh38, 1-based): chr7:117,590,408, G>A. VCF-style: chr7-117590408-G-A. GRCh37 (hg19) VCF-style: chr7-117230462-G-A.
Other names: short protein forms D579N.
Identifiers: ClinVar variation 1779062 (VCV001779062.2), dbSNP rs397508287, ClinGen allele CA368977241.

ClinVar aggregate classification (germline): Uncertain significance (1 of 4 stars; one submission).

Conditions:
Cystic fibrosis (CF). Also called: MUCOVISCIDOSIS. Identifiers: Orphanet 586, MedGen C0010674, MONDO:0009061, OMIM 219700. Disease mechanism: loss of function.

Submission:

Ambry Genetics
Classification: Uncertain significance for Cystic fibrosis. Last evaluated: 2015-09-13. Review status: criteria provided, single submitter. Criteria: Ambry Variant Classification Scheme 2023. Collection method: clinical testing. Allele origin: germline.
Comment: The p.D579N variant (also known as c.1735G>A), located in coding exon 13 of the CFTR gene, results from a G to A substitution at nucleotide position 1735. The aspartic acid at codon 579 is replaced by asparagine, an amino acid with highly similar properties. Another alteration at the same position, p.D579G, has been reported in individuals with cystic fibrosis. This variant was not reported in population based cohorts in the following databases: Database of Single Nucleotide Polymorphisms (dbSNP), NHLBI Exome Sequencing Project (ESP), and 1000 Genomes Project. In the ESP, this variant was not observed in 6493 samples (12986 alleles) with coverage at this position. This amino acid position is highly conserved in available vertebrate species. In addition, this alteration is predicted to be deleterious by in silico analysis. Since clinical data on this variant is limited at this time, its clinical significance is unclear.